The following is an entry in ClinVar:

NM_020693.4(DSCAML1):c.6140C>G (p.Ser2047Cys)

Gene: DSCAML1 (DS cell adhesion molecule like 1; minus strand). Cytogenetic location: 11q23.3.
Variant type: single nucleotide variant.
Coding change: c.6140C>G on transcript NM_020693.4 (MANE Select); coding-DNA position 6140, C replaced by G.
Protein change: p.Ser2047Cys; replaces serine 2047 with cysteine.
Molecular consequence: missense variant.
Genome position (GRCh38, 1-based): chr11:117,428,350, G>C on the plus strand (C>G on the coding strand, the complement: DSCAML1 is on the minus strand). VCF-style: chr11-117428350-G-C. GRCh37 (hg19) VCF-style: chr11-117299066-G-C.
Other names: short protein forms S2047C.
Identifiers: ClinVar variation 2777313 (VCV002777313.3), dbSNP rs2047703935, ClinGen allele CA382750642.
Genomic context (GRCh38, chr11:117,428,350, plus strand): 5'-GCGGCGCGGTCCAGGCGTGGCTGCTCTTCCTGCGGGCCCTACACCAGGGTGTAGGATTTG[G>C]AGTAGGCCCCGGCCCCCTGCTTCTGAGACCTCCCTACCCCCGATGTGCTCATCTCGAGAA-3'
Protein context (NP_065744.3, residues 2037-2053): RSQKQGAGAY[Ser2047Cys]KSYTLV

ClinVar aggregate classification (germline): Uncertain significance (1 of 4 stars; one submission).

Allele frequency attached by ClinVar (database versions not stated): gnomAD exomes below 0.00001; gnomAD 0.00001.
gnomAD v4.1: 3 of 1,576,544 alleles (0.00019%); highest among the groups gnomAD compares: Admixed American, 0.0018%; no homozygotes.

Submission:

Labcorp Genetics (formerly Invitae), Labcorp
Classification: Uncertain significance. Last evaluated: 2022-12-12. Review status: criteria provided, single submitter. Criteria: Invitae Variant Classification Sherloc (09022015). Collection method: clinical testing. Allele origin: germline.
Comment: This sequence change replaces serine, which is neutral and polar, with cysteine, which is neutral and slightly polar, at codon 2107 of the DSCAML1 protein (p.Ser2107Cys). In summary, the available evidence is currently insufficient to determine the role of this variant in disease. Therefore, it has been classified as a Variant of Uncertain Significance. Algorithms developed to predict the effect of missense changes on protein structure and function are either unavailable or do not agree on the potential impact of this missense change (SIFT: "Deleterious"; PolyPhen-2: "Benign"; Align-GVGD: "Class C0"). This variant has not been reported in the literature in individuals affected with DSCAML1-related conditions. This variant is not present in population databases (gnomAD no frequency).